The following is an entry in ClinVar:

NM_000321.3(RB1):c.1421+16T>C

Gene: RB1 (RB transcriptional corepressor 1; plus strand). Cytogenetic location: 13q14.2.
Variant type: single nucleotide variant.
Coding change: c.1421+16T>C on transcript NM_000321.3 (MANE Select); 16 bases into the intron after coding-DNA position 1421, T replaced by C.
Molecular consequence: intron variant.
Genome position (GRCh38, 1-based): chr13:48,380,100, T>C. VCF-style: chr13-48380100-T-C. GRCh37 (hg19) VCF-style: chr13-48954236-T-C.
Other names: c.1421+16T>C (NM_001407165.1, NM_001407166.1).
Identifiers: ClinVar variation 4757991 (VCV004757991.3).

ClinVar aggregate classification (germline): Benign/Likely benign. Review status: criteria provided, multiple submitters, no conflicts (2 of 4 stars). 3 submissions from 3 submitters: Benign (2); Likely benign (1). Last evaluated 2026-06-24.

Conditions:
Retinoblastoma (RB1). Also called: RETINOBLASTOMA, SOMATIC. Identifiers: Orphanet 790, MedGen C0035335, MeSH D012175, MONDO:0008380, OMIM 180200, HP:0009919. Disease mechanism: loss of function. Inheritance: Both sporadic and heritable forms are tested..

gnomAD v4.1: 939 of 1,431,694 alleles (0.066%); highest among the groups gnomAD compares: Non-Finnish European, 0.0042%; 5 homozygotes.

Submissions (3):

Myriad Genetics, Inc.
Classification: Benign for Retinoblastoma. Last evaluated: 2026-06-24. Review status: criteria provided, single submitter. Criteria: Myriad Autosomal Dominant, Autosomal Recessive and X-Linked Classification Criteria (2023). Collection method: clinical testing. Allele origin: unknown.
Comment: This variant is considered benign. This variant is intronic and is not expected to impact mRNA splicing.

Color Diagnostics, LLC DBA Color Health
Classification: Benign for Retinoblastoma. Last evaluated: 2025-06-30. Review status: criteria provided, single submitter. Criteria: ACMG Guidelines, 2015. Collection method: clinical testing. Allele origin: germline.

Blueprint Genetics
Classification: Likely benign. Last evaluated: 2024-10-01. Review status: criteria provided, single submitter. Criteria: ACMG Guidelines, 2015. Collection method: clinical testing. Allele origin: germline.